The following is an entry in ClinVar:

NM_014920.5(CILK1):c.1052A>T (p.Tyr351Phe)

Gene: CILK1 (ciliogenesis associated kinase 1; minus strand). Cytogenetic location: 6p12.1.
Variant type: single nucleotide variant.
Coding change: c.1052A>T on transcript NM_014920.5 (MANE Select); coding-DNA position 1052, A replaced by T.
Protein change: p.Tyr351Phe; replaces tyrosine 351 with phenylalanine.
Molecular consequence: missense variant. On other transcripts: non-coding transcript variant (1).
Genome position (GRCh38, 1-based): chr6:53,013,762, T>A on the plus strand (A>T on the coding strand, the complement: CILK1 is on the minus strand). VCF-style: chr6-53013762-T-A. GRCh37 (hg19) VCF-style: chr6-52878560-T-A.
Other names: c.1052A>T, p.Tyr351Phe (NM_001375397.1, NM_001375398.1, NM_001375399.1 and 4 more transcripts); short protein forms Y351F.
Identifiers: ClinVar variation 1680549 (VCV001680549.8), dbSNP rs1764727599, ClinGen allele CA364468765.

ClinVar aggregate classification (germline): Uncertain significance (1 of 4 stars; one submission).

Allele frequency attached by ClinVar (database versions not stated): gnomAD 0.00001.

Submission:

Labcorp Genetics (formerly Invitae), Labcorp
Classification: Uncertain significance. Last evaluated: 2022-07-12. Review status: criteria provided, single submitter. Criteria: Invitae Variant Classification Sherloc (09022015). Collection method: clinical testing. Allele origin: germline.
Comment: In summary, the available evidence is currently insufficient to determine the role of this variant in disease. Therefore, it has been classified as a Variant of Uncertain Significance. Algorithms developed to predict the effect of missense changes on protein structure and function output the following: SIFT: "Tolerated"; PolyPhen-2: "Benign"; Align-GVGD: "Class C0". The phenylalanine amino acid residue is found in multiple mammalian species, which suggests that this missense change does not adversely affect protein function. ClinVar contains an entry for this variant (Variation ID: 1680549). This variant has not been reported in the literature in individuals affected with ICK-related conditions. This variant is not present in population databases (gnomAD no frequency). This sequence change replaces tyrosine, which is neutral and polar, with phenylalanine, which is neutral and non-polar, at codon 351 of the ICK protein (p.Tyr351Phe).